The following is an entry in ClinVar:

NM_000218.3(KCNQ1):c.1514+15329T>C

Genes: KCNQ1 (potassium voltage-gated channel subfamily Q member 1; plus strand), KCNQ1OT1 (KCNQ1 opposite strand/antisense transcript 1; minus strand). Cytogenetic location: 11p15.5.
Variant type: single nucleotide variant.
Coding change: c.1514+15329T>C on transcript NM_000218.3 (MANE Select); 15329 bases into the intron after coding-DNA position 1514, T replaced by C.
Molecular consequence: intron variant. On other transcripts: non-coding transcript variant (1).
Genome position (GRCh38, 1-based): chr11:2,677,410, T>C. VCF-style: chr11-2677410-T-C. GRCh37 (hg19) VCF-style: chr11-2698640-T-C.
Other names: c.1244+15329T>C (NM_001406837.1); c.1418+15329T>C (NM_001406836.1); c.974+15329T>C (NM_001406838.1); c.1133+15329T>C (NM_181798.2).
Identifiers: ClinVar variation 2641476 (VCV002641476.24), dbSNP rs528907310, ClinGen allele CA216182392.

ClinVar aggregate classification (germline): Benign (1 of 4 stars; one submission).

Allele frequency attached by ClinVar (database versions not stated): gnomAD 0.00004; gnomAD exomes 0.00004; 1000 Genomes Project 0.00040; 1000 Genomes Project 30x 0.00047.
gnomAD v4.1: 16 of 398,592 alleles (0.004%); highest among the groups gnomAD compares: South Asian, 0.2%; no homozygotes.

Submission:

CeGaT Center for Human Genetics Tuebingen
Classification: Benign. Last evaluated: 2023-03-01. Review status: criteria provided, single submitter. Criteria: CeGaT Center For Human Genetics Tuebingen Variant Classification Criteria Version 2. Collection method: clinical testing. Allele origin: germline. Affected: yes. Observed: 1 variant allele.
Comment: KCNQ1OT1: BS1, BS2